The following is an entry in ClinVar:

NM_014946.4(SPAST):c.1763C>T (p.Ser588Phe)

Gene: SPAST (spastin; plus strand). Cytogenetic location: 2p22.3.
Variant type: single nucleotide variant.
Coding change: c.1763C>T on transcript NM_014946.4 (MANE Select); coding-DNA position 1763, C replaced by T.
Protein change: p.Ser588Phe; replaces serine 588 with phenylalanine.
Molecular consequence: missense variant. On other transcripts: 3 prime UTR variant (1).
Genome position (GRCh38, 1-based): chr2:32,154,408, C>T. VCF-style: chr2-32154408-C-T. GRCh37 (hg19) VCF-style: chr2-32379477-C-T.
Other names: c.1760C>T, p.Ser587Phe (NM_001363823.2); c.1664C>T, p.Ser555Phe (NM_001363875.2); c.*36C>T (NM_001377959.1); c.1667C>T, p.Ser556Phe (NM_199436.2); short protein forms S555F, S556F, S587F, S588F.
Identifiers: ClinVar variation 4682174 (VCV004682174.2).

ClinVar aggregate classification (germline): Conflicting classifications of pathogenicity. Review status: criteria provided, conflicting classifications (1 of 4 stars). 2 submissions from 2 submitters: Likely pathogenic (1); Uncertain significance (1). Last evaluated 2024-12-30.

Conditions:
SPAST-related disorder. Also called: SPAST-related condition.

Submissions (2):

Athena Diagnostics
Classification: Uncertain significance. Last evaluated: 2024-12-30. Review status: criteria provided, single submitter. Criteria: Athena Diagnostics Criteria. Collection method: clinical testing. Allele origin: unknown.
Comment: Available data are insufficient to determine the clinical significance of the variant at this time. This variant has not been reported in large, multi-ethnic general populations. Polyphen and MutationTaster predict this amino acid change may be damaging to the protein. The variant is located in a region that is considered important for protein function and/or structure.

Blueprint Genetics
Classification: Likely pathogenic for SPAST-related disorders. Last evaluated: 2017-08-02. Review status: criteria provided, single submitter. Criteria: ACMG Guidelines, 2015. Collection method: clinical testing. Allele origin: germline. Affected: yes. Observed: 1 variant allele.